The following is an entry in ClinVar:

ClinVar aggregate classification (germline): Uncertain significance. Review status: criteria provided, multiple submitters, no conflicts (2 of 4 stars). 2 submissions from 2 submitters: Uncertain significance (2). Last evaluated 2024-03-05.

Conditions:
Familial thoracic aortic aneurysm and aortic dissection (TAAD). Also called: Thoracic aortic aneurysms and dissections. Identifiers: Orphanet 91387, MedGen C4707243, MONDO:0019625.

gnomAD v4.1: 3 of 1,614,182 alleles (0.00019%); highest among the groups gnomAD compares: Non-Finnish European, 0.00025%; no homozygotes.

Submissions (2):

All of Us Research Program, National Institutes of Health
Classification: Uncertain significance for Familial thoracic aortic aneurysm and aortic dissection. Last evaluated: 2024-03-05. Review status: criteria provided, single submitter. Criteria: ACMG Guidelines, 2015. Collection method: clinical testing. Allele origin: germline. Inheritance: Autosomal dominant inheritance. Observed: 3 variant alleles, 3 heterozygotes.
Comment: This missense variant replaces glutamic acid with aspartic acid at codon 1416 of the MYH11 protein. Computational prediction is inconclusive regarding the impact of this variant on protein structure and function (internally defined REVEL score threshold 0.5 < inconclusive < 0.7, PMID: 27666373). To our knowledge, functional studies have not been reported for this variant. This variant has not been reported in individuals affected with MYH11-related disorders in the literature. This variant has not been identified in the general population by the Genome Aggregation Database (gnomAD). The available evidence is insufficient to determine the role of this variant in disease conclusively. Therefore, this variant is classified as a Variant of Uncertain Significance.

This study involves interpretation of variants in research participants for the purpose of population health screening. Participant phenotype was not available at the time of variant classification. Additional details can be found in publication PMID: 35346344, PMCID: PMC8962531

GeneDx
Classification: Uncertain significance. Last evaluated: 2019-06-10. Review status: criteria provided, single submitter. Criteria: GeneDx Variant Classification Process June 2021. Collection method: clinical testing. Allele origin: germline. Affected: yes.
Comment: Has not been previously published as pathogenic or benign to our knowledge; Not observed in large population cohorts (Lek et al., 2016); In silico analysis, which includes protein predictors and evolutionary conservation, supports that this variant does not alter protein structure/function

NM_002474.3(MYH11):c.4227G>C (p.Glu1409Asp)

Genes: MYH11 (myosin heavy chain 11; minus strand), NDE1 (nudE neurodevelopment protein 1; plus strand). Cytogenetic location: 16p13.11.
Variant type: single nucleotide variant.
Coding change: c.4227G>C on transcript NM_002474.3 (MANE Select); coding-DNA position 4227, G replaced by C.
Protein change: p.Glu1409Asp; replaces glutamic acid 1409 with aspartic acid.
Molecular consequence: missense variant. On other transcripts: 3 prime UTR variant (2).
Genome position (GRCh38, 1-based): chr16:15,724,299, C>G on the plus strand (G>C on the coding strand, the complement: MYH11 is on the minus strand). VCF-style: chr16-15724299-C-G. GRCh37 (hg19) VCF-style: chr16-15818156-C-G.
Other names: c.4248G>C, p.Glu1416Asp (NM_001040113.2, NM_001040114.2); c.4227G>C, p.Glu1409Asp (NM_022844.3); c.*48C>G (NM_001143979.2, NM_017668.3); short protein forms E1409D, E1416D.
Identifiers: ClinVar variation 1320544 (VCV001320544.4), dbSNP rs2151218259, ClinGen allele CA394857309.